The following is an entry in ClinVar:

ClinVar aggregate classification (germline): Uncertain significance. Review status: criteria provided, multiple submitters, no conflicts (2 of 4 stars). 5 submissions from 5 submitters: Uncertain significance (5). Last evaluated 2025-01-23.

Conditions:
Spermatogenic failure 18. Identifiers: MedGen C4539783, MONDO:0054615, OMIM 617576.
Ciliary dyskinesia, primary, 37 (CILD37). Also called: CILIARY DYSKINESIA, PRIMARY, 37, WITH OR WITHOUT SITUS INVERSUS. Identifiers: MedGen C4539798, MONDO:0033204, OMIM 617577.

Allele frequency attached by ClinVar (database versions not stated): ExAC 0.00003; gnomAD 0.00003; gnomAD exomes 0.00004; TOPMed 0.00005; 1000 Genomes Project 0.00020; 1000 Genomes Project 30x 0.00031.
gnomAD v4.1: 95 of 1,612,908 alleles (0.0059%); highest among the groups gnomAD compares: East Asian, 0.031%; 1 homozygote.

Submissions (5):

Labcorp Genetics (formerly Invitae), Labcorp
Classification: Uncertain significance for Ciliary dyskinesia, primary, 37; Spermatogenic failure 18. Last evaluated: 2025-01-23. Review status: criteria provided, single submitter. Criteria: Invitae Variant Classification Sherloc (09022015). Collection method: clinical testing. Allele origin: germline.
Comment: This sequence change replaces arginine, which is basic and polar, with tryptophan, which is neutral and slightly polar, at codon 159 of the DNAH1 protein (p.Arg159Trp). This variant is present in population databases (rs561508479, gnomAD 0.03%). This variant has not been reported in the literature in individuals affected with DNAH1-related conditions. ClinVar contains an entry for this variant (Variation ID: 842994). An algorithm developed to predict the effect of missense changes on protein structure and function (PolyPhen-2) suggests that this variant¬¨‚Ä†is likely to be tolerated. In summary, the available evidence is currently insufficient to determine the role of this variant in disease. Therefore, it has been classified as a Variant of Uncertain Significance.

Mayo Clinic Laboratories, Mayo Clinic
Classification: Uncertain significance. Last evaluated: 2024-02-29. Review status: criteria provided, single submitter. Criteria: ACMG Guidelines, 2015. Collection method: clinical testing. Allele origin: germline. Observed: 1 variant allele.
Comment: BP4

Ambry Genetics
Classification: Uncertain significance. Last evaluated: 2023-12-11. Review status: criteria provided, single submitter. Criteria: Ambry Variant Classification Scheme 2023. Collection method: clinical testing. Allele origin: germline.

Blueprint Genetics
Classification: Uncertain significance. Last evaluated: 2023-09-07. Review status: criteria provided, single submitter. Criteria: ACMG Guidelines, 2015. Collection method: clinical testing. Allele origin: germline.

Fulgent Genetics
Classification: Uncertain significance for Spermatogenic failure 18; Ciliary dyskinesia, primary, 37. Last evaluated: 2021-09-09. Review status: criteria provided, single submitter. Criteria: ACMG Guidelines, 2015. Collection method: clinical testing. Allele origin: unknown.

NM_015512.5(DNAH1):c.475C>T (p.Arg159Trp)

Gene: DNAH1 (dynein axonemal heavy chain 1; plus strand). Cytogenetic location: 3p21.1.
Variant type: single nucleotide variant.
Coding change: c.475C>T on transcript NM_015512.5 (MANE Select); coding-DNA position 475, C replaced by T.
Protein change: p.Arg159Trp; replaces arginine 159 with tryptophan.
Molecular consequence: missense variant.
Genome position (GRCh38, 1-based): chr3:52,326,208, C>T. VCF-style: chr3-52326208-C-T. GRCh37 (hg19) VCF-style: chr3-52360224-C-T.
Other names: p.Arg159Trp; short protein forms R159W.
Identifiers: ClinVar variation 842994 (VCV000842994.9), dbSNP rs561508479, ClinGen allele CA2432650.